The following is an entry in ClinVar:

NM_016120.4(RLIM):c.1358G>A (p.Ser453Asn)

Gene: RLIM (ring finger protein, LIM domain interacting; minus strand). Cytogenetic location: Xq13.2.
Variant type: single nucleotide variant.
Coding change: c.1358G>A on transcript NM_016120.4 (MANE Select); coding-DNA position 1358, G replaced by A.
Protein change: p.Ser453Asn; replaces serine 453 with asparagine.
Molecular consequence: missense variant.
Genome position (GRCh38, 1-based): chrX:74,591,957, C>T on the plus strand (G>A on the coding strand, the complement: RLIM is on the minus strand). VCF-style: chrX-74591957-C-T. GRCh37 (hg19) VCF-style: chrX-73811792-C-T.
Other names: c.1358G>A, p.Ser453Asn (NM_183353.3); short protein forms S453N.
Identifiers: ClinVar variation 2585183 (VCV002585183.1), dbSNP rs201787580, ClinGen allele CA10454632.

ClinVar aggregate classification (germline): Uncertain significance (1 of 4 stars; one submission).

Conditions:
Intellectual disability, X-linked 61 (TOKAS). Also called: TONNE-KALSCHEUER SYNDROME. Identifiers: MedGen C4283894, MONDO:0010506, OMIM 300978.

Allele frequency attached by ClinVar (database versions not stated): gnomAD exomes below 0.00001; gnomAD 0.00003.

Submission:

Neuberg Centre For Genomic Medicine, NCGM
Classification: Uncertain significance for Intellectual disability, X-linked 61. Review status: criteria provided, single submitter. Criteria: ACMG Guidelines, 2015. Collection method: clinical testing. Allele origin: germline. Inheritance: X-linked inheritance. Affected: yes.
Comment: Tonne-Kalscheuer syndrome (TOKAS) is an X-linked recessive multiple congenital anomaly disorder with 2 main presentations. Most patients exhibit global developmental delay apparent from early infancy, impaired intellectual development, speech delay, behavioral abnormalities, and abnormal gait. Affected individuals also have dysmorphic facial features that evolve with age, anomalies of the hands, feet, and nails, and urogenital abnormalities with hypogenitalism. A subset of more severely affected males develop congenital diaphragmatic hernia in utero, which may result in perinatal or premature death. Carrier females may have very mild skeletal or hormonal abnormalities ( Frints et al., 2019).